The following is an entry in ClinVar:

ClinVar aggregate classification (germline): Pathogenic/Likely pathogenic. Review status: criteria provided, multiple submitters, no conflicts (2 of 4 stars). 2 submissions from 2 submitters: Pathogenic (1); Likely pathogenic (1). Last evaluated 2025-03-07.

Conditions:
CLCN1-related disorder. Also called: CLCN1-related condition.
Congenital myotonia, autosomal recessive form. Also called: myotonia congenita, autosomal recessive; BECKER DISEASE; Becker Generalized Myotonia. Identifiers: Orphanet 614, MedGen C0751360, MONDO:0009715, OMIM 255700.
Congenital myotonia, autosomal dominant form (THD). Also called: THOMSEN DISEASE; Myotonia congenita autosomal dominant. Identifiers: Orphanet 614, MedGen C2936781, MONDO:0008055, OMIM 160800.

Submissions (2):

Labcorp Genetics (formerly Invitae), Labcorp
Classification: Pathogenic for Congenital myotonia, autosomal recessive form; Congenital myotonia, autosomal dominant form. Last evaluated: 2025-03-07. Review status: criteria provided, single submitter. Criteria: Invitae Variant Classification Sherloc (09022015). Collection method: clinical testing. Allele origin: germline.
Comment: This sequence change creates a premature translational stop signal (p.Ser734Leufs*60) in the CLCN1 gene. It is expected to result in an absent or disrupted protein product. Loss-of-function variants in CLCN1 are known to be pathogenic (PMID: 17932099, 22094069, 23739125). This variant is present in population databases (rs775166782, gnomAD 0.004%). This variant has not been reported in the literature in individuals affected with CLCN1-related conditions. For these reasons, this variant has been classified as Pathogenic.

Blueprint Genetics
Classification: Likely pathogenic for CLCN1-related disorders. Last evaluated: 2020-06-23. Review status: criteria provided, single submitter. Criteria: ACMG Guidelines, 2015. Collection method: clinical testing. Allele origin: germline. Affected: yes. Observed: 1 variant allele.

Literature cited by the submitters: PubMed 17932099 (cited by Labcorp Genetics (formerly Invitae), Labcorp); PubMed 22094069 (cited by Labcorp Genetics (formerly Invitae), Labcorp); PubMed 23739125 (cited by Labcorp Genetics (formerly Invitae), Labcorp).

NM_000083.3(CLCN1):c.2200del (p.Ser734fs)

Gene: CLCN1 (chloride voltage-gated channel 1; plus strand). Cytogenetic location: 7q34.
Variant type: Deletion.
Coding change: c.2200del on transcript NM_000083.3 (MANE Select); coding-DNA position 2200, one base deleted (T; older notation c.2200delT).
Protein change: p.Ser734fs; shifts the reading frame from serine 734.
Molecular consequence: frameshift variant. On other transcripts: non-coding transcript variant (1).
Genome position (GRCh38, 1-based): chr7:143,346,167, T deleted. VCF-style (leftmost placement, unchanged base first): chr7-143346166-CT-C. GRCh37 (hg19) VCF-style: chr7-143043259-CT-C.
Other names: short protein forms S734fs.
Identifiers: ClinVar variation 4792921 (VCV004792921.2).
Genomic context (GRCh38, chr7:143,346,166, plus strand): 5'-CTCCCAGGCTGAGACTTCTTACTCTTCCTTACAGCTTCCTCCTTCCCTTGCTCTCCACCC[CT>C]CTACTACTGCCCCTCTGTCCCCAGAAGAGCCCAATGGGCCTCTGCCTGGCCACAAACAGC-3'